The following is an entry in ClinVar:

ClinVar aggregate classification (germline): Uncertain significance (1 of 4 stars; one submission).

gnomAD v4.1: 172 of 1,548,058 alleles (0.011%); highest among the groups gnomAD compares: Non-Finnish European, 0.015%; no homozygotes.

Submission:

Labcorp Genetics (formerly Invitae), Labcorp
Classification: Uncertain significance. Last evaluated: 2023-08-04. Review status: criteria provided, single submitter. Criteria: Invitae Variant Classification Sherloc (09022015). Collection method: clinical testing. Allele origin: germline.
Comment: This sequence change replaces arginine, which is basic and polar, with leucine, which is neutral and non-polar, at codon 2691 of the OTOG protein (p.Arg2691Leu). This variant is present in population databases (rs766229978, gnomAD 0.01%). This variant has not been reported in the literature in individuals affected with OTOG-related conditions. ClinVar contains an entry for this variant (Variation ID: 1521695). An algorithm developed to predict the effect of missense changes on protein structure and function (PolyPhen-2) suggests that this variant is likely to be disruptive. In summary, the available evidence is currently insufficient to determine the role of this variant in disease. Therefore, it has been classified as a Variant of Uncertain Significance.

NM_001292063.2(OTOG):c.8036G>T (p.Arg2679Leu)

Gene: OTOG (otogelin; plus strand). Cytogenetic location: 11p15.1.
Variant type: single nucleotide variant.
Coding change: c.8036G>T on transcript NM_001292063.2 (MANE Select); coding-DNA position 8036, G replaced by T.
Protein change: p.Arg2679Leu; replaces arginine 2679 with leucine.
Molecular consequence: missense variant.
Genome position (GRCh38, 1-based): chr11:17,640,937, G>T. VCF-style: chr11-17640937-G-T. GRCh37 (hg19) VCF-style: chr11-17662484-G-T.
Other names: c.8072G>T, p.Arg2691Leu (NM_001277269.2); short protein forms R2691L, R2679L.
Identifiers: ClinVar variation 1521695 (VCV001521695.6), dbSNP rs766229978, ClinGen allele CA218456004.